The following is an entry in ClinVar:

NM_000094.4(COL7A1):c.4728_4731del (p.Pro1577fs)

Gene: COL7A1 (collagen type VII alpha 1 chain; minus strand). Cytogenetic location: 3p21.31.
Variant type: Deletion.
Coding change: c.4728_4731del on transcript NM_000094.4 (MANE Select); coding-DNA positions 4728 to 4731, 4 bases deleted (ACCC; older notation c.4728_4731delACCC).
Protein change: p.Pro1577fs; shifts the reading frame from proline 1577.
Molecular consequence: frameshift variant.
Genome position (GRCh38, 1-based): chr3:48,581,624-48,581,627, GGGT deleted on the plus strand (ACCC on the coding strand, the reverse complement: COL7A1 is on the minus strand); deleting any 4 consecutive bases within chr3:48,581,624-48,581,630 gives the same sequence; the c. name uses the placement nearest the transcript's 3' end. VCF-style (leftmost placement, unchanged base first): chr3-48581623-CGGGT-C. GRCh37 (hg19) VCF-style: chr3-48619056-CGGGT-C.
Other names: short protein forms P1577fs.
Identifiers: ClinVar variation 5015669 (VCV005015669.1).
Genomic context (GRCh38, chr3:48,581,623, plus strand): 5'-ATTGATTCACCCGGTCTCCAGGGTCTCCCTTGGGGCCAGGGTCTCCAGGAAGAACCAAGC[CGGGT>C]GGGCCCTGTGGATGGAAGGATAAGAAGTCAGGAAGACAACCTTCACCAACTGCCCCCTAA-3'

ClinVar aggregate classification (germline): Pathogenic (1 of 4 stars; one submission).

Conditions:
Recessive dystrophic epidermolysis bullosa (RDEB). Also called: DYSTROPHIC EPIDERMOLYSIS BULLOSA, AUTOSOMAL RECESSIVE; EPIDERMOLYSIS BULLOSA DYSTROPHICA, HALLOPEAU-SIEMENS TYPE; Hallopeau-Siemens Disease; severe generalized recessive dystrophic epidermolysis bullosa; EPIDERMOLYSIS BULLOSA DYSTROPHICA, GENERALIZED SEVERE, AUTOSOMAL RECESSIVE; Epidermolysis Bullosa Distrophica Autosomal Recessive (RDEB). Identifiers: Orphanet 79408, Orphanet 79409, MedGen C0079474, MONDO:0009179, OMIM 226600.

Submission:

Myriad Genetics, Inc.
Classification: Pathogenic for Recessive dystrophic epidermolysis bullosa. Last evaluated: 2026-03-12. Review status: criteria provided, single submitter. Criteria: Myriad Autosomal Dominant, Autosomal Recessive and X-Linked Classification Criteria (2023). Collection method: clinical testing. Allele origin: unknown.
Comment: NM_000094.3(COL7A1):c.4728_4731delACCC(P1577Afs*132) is expected to be pathogenic in the context of dystrophic epidermolysis bullosa. This variant is predicted to lead to an abnormal or absent protein product due to the creation of a premature termination codon in COL7A1, a gene where loss-of-function variants are known to be pathogenic. Please note: this variant was assessed in the context of healthy population screening.